The following is an entry in ClinVar:

ClinVar aggregate classification (germline): Conflicting classifications of pathogenicity. Review status: criteria provided, conflicting classifications (1 of 4 stars). 4 submissions from 4 submitters: Uncertain significance (2); Likely benign (1). 1 of the submissions does not count toward it. Last evaluated 2026-02-01.

Conditions:
MMUT-related disorder. Also called: MMUT-related condition.
Methylmalonic aciduria due to methylmalonyl-CoA mutase deficiency (MAMM). Also called: Methylmalonic aciduria, mut type. Identifiers: Orphanet 27, MedGen C1855114, MONDO:0009612, OMIM 251000.

Allele frequency attached by ClinVar (database versions not stated): ESP Exome Variant Server 0.00023; gnomAD 0.00028 and 0.00035; TOPMed 0.00045; 1000 Genomes Project 0.00180; 1000 Genomes Project 30x 0.00187.
gnomAD v4.1: 241 of 1,613,886 alleles (0.015%); highest among the groups gnomAD compares: East Asian, 0.36%; 1 homozygote.

Submissions (4):

Labcorp Genetics (formerly Invitae), Labcorp
Classification: Likely benign. Last evaluated: 2026-02-01. Review status: criteria provided, single submitter. Criteria: Invitae Variant Classification Sherloc (09022015). Collection method: clinical testing. Allele origin: germline.

Elsea Laboratory, Baylor College of Medicine
Classification: Uncertain significance for Methylmalonic aciduria due to methylmalonyl-CoA mutase deficiency. Last evaluated: 2020-04-01. Review status: criteria provided, single submitter. Criteria: ACMG Guidelines, 2015. Collection method: clinical testing. Allele origin: germline. Affected: no.

Juno Genomics, Hangzhou Juno Genomics, Inc
Classification: Uncertain significance for Methylmalonic aciduria due to methylmalonyl-CoA mutase deficiency. Review status: criteria provided, single submitter. Criteria: ACMG Guidelines, 2015. Collection method: clinical testing. Allele origin: germline.
Comment: Novel missense change at an amino acid residue where a different missense change determined to be pathogenic has been seen before.;Multiple lines of computational evidence support a deleterious effect on the gene or gene product.

PreventionGenetics, part of Exact Sciences
Classification: Likely benign for MMUT-related condition. Last evaluated: 2019-10-28. Review status: no assertion criteria provided. Collection method: clinical testing. Allele origin: germline. Not counted in ClinVar's aggregate classification.
Comment: This variant is classified as likely benign based on ACMG/AMP sequence variant interpretation guidelines (Richards et al. 2015 PMID: 25741868, with internal and published modifications).

NM_000255.4(MMUT):c.566A>G (p.Asn189Ser)

Gene: MMUT (methylmalonyl-CoA mutase; minus strand). Cytogenetic location: 6p12.3.
Variant type: single nucleotide variant.
Coding change: c.566A>G on transcript NM_000255.4 (MANE Select); coding-DNA position 566, A replaced by G.
Protein change: p.Asn189Ser; replaces asparagine 189 with serine.
Molecular consequence: missense variant.
Genome position (GRCh38, 1-based): chr6:49,457,878, T>C on the plus strand (A>G on the coding strand, the complement: MMUT is on the minus strand). VCF-style: chr6-49457878-T-C. GRCh37 (hg19) VCF-style: chr6-49425591-T-C.
Other names: short protein forms N189S.
Identifiers: ClinVar variation 534567 (VCV000534567.18), dbSNP rs200908035, ClinGen allele CA3847090.